The following is an entry in ClinVar:

NM_024675.4(PALB2):c.1638C>T (p.Val546=)

Gene: PALB2 (partner and localizer of BRCA2; minus strand). Cytogenetic location: 16p12.2.
Variant type: single nucleotide variant.
Coding change: c.1638C>T on transcript NM_024675.4 (MANE Select); coding-DNA position 1638, C replaced by T.
Protein change: p.Val546=; no amino-acid change (valine 546 retained).
Molecular consequence: synonymous variant.
Genome position (GRCh38, 1-based): chr16:23,634,908, G>A on the plus strand (C>T on the coding strand, the complement: PALB2 is on the minus strand). VCF-style: chr16-23634908-G-A. GRCh37 (hg19) VCF-style: chr16-23646229-G-A.
Identifiers: ClinVar variation 232182 (VCV000232182.17), dbSNP rs876659604, ClinGen allele CA10580005.

ClinVar aggregate classification (germline): Benign/Likely benign. Review status: criteria provided, multiple submitters, no conflicts (2 of 4 stars). 5 submissions from 5 submitters: Benign (1); Likely benign (4). Last evaluated 2025-01-14.

Conditions:
Hereditary cancer-predisposing syndrome. Also called: Neoplastic Syndromes, Hereditary; Tumor predisposition; Hereditary Cancer Syndrome; Hereditary neoplastic syndrome. Identifiers: Orphanet 140162, MedGen C0027672, MeSH D009386, MONDO:0015356.
Familial cancer of breast. Also called: BREAST CANCER, FAMILIAL; hereditary breast carcinoma; Hereditary breast cancer. Identifiers: Orphanet 227535, MedGen C0346153, MONDO:0016419, OMIM 114480. Disease mechanism: loss of function.

Allele frequency attached by ClinVar (database versions not stated): gnomAD exomes below 0.00001.
gnomAD v4.1: 1 of 1,614,104 alleles (0.000062%); highest among the groups gnomAD compares: Non-Finnish European, 0.000085%; no homozygotes.

Submissions (5):

Myriad Genetics, Inc.
Classification: Benign for Familial cancer of breast. Last evaluated: 2025-01-14. Review status: criteria provided, single submitter. Criteria: Myriad Autosomal Dominant, Autosomal Recessive and X-Linked Classification Criteria (2023). Collection method: clinical testing. Allele origin: unknown.
Comment: This variant is considered benign. This variant is a silent/synonymous amino acid change and it is not expected to impact splicing.

Labcorp Genetics (formerly Invitae), Labcorp
Classification: Likely benign for Familial cancer of breast. Last evaluated: 2025-01-09. Review status: criteria provided, single submitter. Criteria: Invitae Variant Classification Sherloc (09022015). Collection method: clinical testing. Allele origin: germline.

Color Diagnostics, LLC DBA Color Health
Classification: Likely benign for Hereditary cancer-predisposing syndrome. Last evaluated: 2020-05-11. Review status: criteria provided, single submitter. Criteria: ACMG Guidelines, 2015. Collection method: clinical testing. Allele origin: germline.

GeneDx
Classification: Likely benign. Last evaluated: 2017-08-15. Review status: criteria provided, single submitter. Criteria: GeneDx Variant Classification (06012015). Collection method: clinical testing. Allele origin: germline. Affected: yes.
Comment: This variant is considered likely benign or benign based on one or more of the following criteria: it is a conservative change, it occurs at a poorly conserved position in the protein, it is predicted to be benign by multiple in silico algorithms, and/or has population frequency not consistent with disease.

Ambry Genetics
Classification: Likely benign for Hereditary cancer-predisposing syndrome. Last evaluated: 2015-06-29. Review status: criteria provided, single submitter. Criteria: Ambry Variant Classification Scheme 2023. Collection method: clinical testing. Allele origin: germline.